The following is an entry in ClinVar:

NM_006766.5(KAT6A):c.3661G>T (p.Glu1221Ter)

Gene: KAT6A (lysine acetyltransferase 6A; minus strand). Cytogenetic location: 8p11.21.
Variant type: single nucleotide variant.
Coding change: c.3661G>T on transcript NM_006766.5 (MANE Select); coding-DNA position 3661, G replaced by T.
Protein change: p.Glu1221Ter; replaces glutamic acid 1221 with a stop codon.
Molecular consequence: nonsense.
Genome position (GRCh38, 1-based): chr8:41,934,559, C>A on the plus strand (G>T on the coding strand, the complement: KAT6A is on the minus strand). VCF-style: chr8-41934559-C-A. GRCh37 (hg19) VCF-style: chr8-41792077-C-A.
Other names: short protein forms E1221*.
Identifiers: ClinVar variation 280246 (VCV000280246.5), dbSNP rs139494583, ClinGen allele CA10602985.

ClinVar aggregate classification (germline): Pathogenic. Review status: criteria provided, multiple submitters, no conflicts (2 of 4 stars). 3 submissions from 3 submitters: Pathogenic (2). 1 of the submissions does not count toward it. Last evaluated 2020-05-25.

Conditions:
Craniosynostosis syndrome. Also called: Craniosynostosis. Identifiers: Orphanet 1531, MedGen C0010278, MeSH D003398, MONDO:0015469, HP:0001363.
Autosomal dominant intellectual disability-craniofacial anomalies-cardiac defects syndrome (ARTHS). Also called: Arboleda-Tham syndrome; Mental retardation, autosomal dominant 32; KAT6A syndrome. Identifiers: Orphanet 457193, MedGen C4225396, MONDO:0014558, OMIM 616268.

Submissions (3):

Victorian Clinical Genetics Services, Murdoch Childrens Research Institute
Classification: Pathogenic for Autosomal dominant intellectual disability-craniofacial anomalies-cardiac defects syndrome. Last evaluated: 2020-05-25. Review status: criteria provided, single submitter. Criteria: ACMG Guidelines, 2015. Collection method: clinical testing. Allele origin: germline. Inheritance: Autosomal dominant inheritance.
Comment: Based on the classification scheme VCGS_Germline_v1.1.1, this variant is classified as PATHOGENIC. Following criteria are met: 0102 - Loss-of-function is a known mechanism of disease for this gene. (N) 0107 - This gene is known to be associated with autosomal dominant disease. (N) 0204 - Variant is predicted to result in a truncated protein with more than 1/3 of the protein affected (exon 17 of 17). (P) 0251 - Variant is heterozygous. (N) 0301 - Variant is absent from gnomAD. (P) 0401 - Variant is located in a gene associated with a severe early-onset dominant condition that is intolerant to loss-of-function variants (pLi=1). (P) 0604 - Variant is not located in an established domain, motif, hotspot or informative constraint region. (N) 0701 - Comparable variants have very strong previous evidence for pathogenicity. Many other truncating variants have been reported as pathogenic (ClinVar) (P) 0801 - Strong previous evidence of pathogenicity in a few unrelated individuals, at least two of them were reported as de novo (ClinVar, PMID: 30245513, 31292255). (P) 0905 - No segregation evidence has been identified for this variant. (N) 1007 - No published functional evidence has been identified for this variant. (N) 1208 - Inheritance information for this variant is not currently available. (N) Legend: (P) - Pathogenic, (N) - Neutral, (B) - Benign

GeneDx
Classification: Pathogenic. Last evaluated: 2019-11-07. Review status: criteria provided, single submitter. Criteria: GeneDx Variant Classification Process June 2021. Collection method: clinical testing. Allele origin: germline. Affected: yes.
Comment: Nonsense variant in the C-terminus predicted to result in protein truncation, as the last 784 amino acids are lost, and other loss-of-function variants have been reported downstream in the Human Gene Mutation Database (Stenson et al., 2014); Not observed in large population cohorts (Lek et al., 2016); This variant is associated with the following publications: (PMID: 30245513, 31292255)

Yale Center for Mendelian Genomics, Yale University
Classification: Likely pathogenic for Craniosynostosis syndrome. Last evaluated: 2019-07-23. Review status: no assertion criteria provided. Collection method: literature only. Allele origin: de novo. Affected: yes. Observed: 1 heterozygote. Study: Yale Center for Mendelian Genomics. Not counted in ClinVar's aggregate classification.

Literature cited by the submitters: PubMed 30245513 (cited by Victorian Clinical Genetics Services, Murdoch Childrens Research Institute); PubMed 31292255 (cited by Victorian Clinical Genetics Services, Murdoch Childrens Research Institute and Yale Center for Mendelian Genomics, Yale University).